The following is an entry in ClinVar:

ClinVar aggregate classification (germline): Uncertain significance (1 of 4 stars; one submission).

Conditions:
Hereditary cancer-predisposing syndrome. Also called: Tumor predisposition; Neoplastic Syndromes, Hereditary; Hereditary Cancer Syndrome; Hereditary neoplastic syndrome. Identifiers: Orphanet 140162, MedGen C0027672, MeSH D009386, MONDO:0015356.

Submission:

Ambry Genetics
Classification: Uncertain significance for Hereditary cancer-predisposing syndrome. Last evaluated: 2024-11-14. Review status: criteria provided, single submitter. Criteria: Ambry Variant Classification Scheme 2023. Collection method: clinical testing. Allele origin: germline.
Comment: The c.8633-5_8633-3delCTT intronic variant, located in intron 19 of the BRCA2 gene, results from a deletion of 3 nucleotides within intron 19 of the BRCA2 gene. The deleted nucleotides are not well conserved in available vertebrate species. In silico splice site analysis predicts that this alteration will not have any significant effect on splicing. Based on the available evidence, the clinical significance of this variant remains unclear.

NM_000059.4(BRCA2):c.8633-5_8633-3del

Gene: BRCA2 (BRCA2 DNA repair associated; plus strand). Cytogenetic location: 13q13.1.
Variant type: Deletion.
Coding change: c.8633-5_8633-3del on transcript NM_000059.4 (MANE Select); 5 bases into the intron before coding-DNA position 8633 through 3 bases into the intron before coding-DNA position 8633, 3 bases deleted (CTT; older notation c.8633-5_8633-3delCTT).
Molecular consequence: intron variant.
Genome position (GRCh38, 1-based): chr13:32,376,665-32,376,667, CTT deleted; deleting any 3 consecutive bases within chr13:32,376,663-32,376,667 gives the same sequence; the c. name uses the placement nearest the transcript's 3' end. VCF-style (leftmost placement, unchanged base first): chr13-32376662-TTTC-T. GRCh37 (hg19) VCF-style: chr13-32950799-TTTC-T.
Other names: c.8633-5_8633-3del (NM_001432077.1, NM_001406720.1); c.8537-5_8537-3del (NM_001406719.1); c.3701-5_3701-3del (NM_001406721.1); c.2216-5_2216-3del (NM_001406722.1).
Identifiers: ClinVar variation 3482147 (VCV003482147.1).